The following is an entry in ClinVar:

ClinVar aggregate classification (germline): Uncertain significance (1 of 4 stars; one submission).

Conditions:
Myopathy, proximal, and ophthalmoplegia (CMYO6). Also called: MYOPATHY WITH CONGENITAL JOINT CONTRACTURES, OPHTHALMOPLEGIA, AND RIMMED VACUOLES; INCLUSION BODY MYOPATHY 3, AUTOSOMAL DOMINANT; CONGENITAL MYOPATHY 6 WITH OPHTHALMOPLEGIA. Identifiers: Orphanet 363677, Orphanet 79091, MedGen C1854106, MONDO:0011577, OMIM 605637.

Submission:

Labcorp Genetics (formerly Invitae), Labcorp
Classification: Uncertain significance for Myopathy, proximal, and ophthalmoplegia. Last evaluated: 2022-02-24. Review status: criteria provided, single submitter. Criteria: Invitae Variant Classification Sherloc (09022015). Collection method: clinical testing. Allele origin: germline.
Comment: ClinVar contains an entry for this variant (Variation ID: 650335). Algorithms developed to predict the effect of missense changes on protein structure and function (SIFT, PolyPhen-2, Align-GVGD) all suggest that this variant is likely to be disruptive. In summary, the available evidence is currently insufficient to determine the role of this variant in disease. Therefore, it has been classified as a Variant of Uncertain Significance. This sequence change replaces histidine, which is basic and polar, with tyrosine, which is neutral and polar, at codon 1559 of the MYH2 protein (p.His1559Tyr). This variant is not present in population databases (gnomAD no frequency). This variant has not been reported in the literature in individuals affected with MYH2-related conditions.

NM_017534.6(MYH2):c.4675C>T (p.His1559Tyr)

Genes: MYH2 (myosin heavy chain 2; minus strand), MYHAS (myosin heavy chain gene cluster antisense RNA; plus strand), LOC126862500 (BRD4-independent group 4 enhancer GRCh37_chr17:10427829-10429028; plus strand). Cytogenetic location: 17p13.1.
Variant type: single nucleotide variant.
Coding change: c.4675C>T on transcript NM_017534.6 (MANE Select); coding-DNA position 4675, C replaced by T.
Protein change: p.His1559Tyr; replaces histidine 1559 with tyrosine.
Molecular consequence: missense variant.
Genome position (GRCh38, 1-based): chr17:10,525,053, G>A on the plus strand (C>T on the coding strand, the complement: MYH2 is on the minus strand). VCF-style: chr17-10525053-G-A. GRCh37 (hg19) VCF-style: chr17-10428370-G-A.
Other names: c.4675C>T, p.His1559Tyr (NM_001100112.2); short protein forms H1559Y.
Identifiers: ClinVar variation 650335 (VCV000650335.6), dbSNP rs1597448095, ClinGen allele CA398124171.
Genomic context (GRCh38, chr17:10,525,053, plus strand): 5'-CAACCTCAGACTTGACTTGGTTCAACTCAAGCTGGATGCGCAGGATCTTTCCCTCTTCAT[G>A]TTCAAGAGATGCCTTAATGACAGCAAGAGGTGACATTAGCAAGGAACCAAAAGCTTTATG-3'
Protein context (NP_060004.3, residues 1549-1569): ALEEAEASLE[His1559Tyr]EEGKILRIQL